The following is an entry in ClinVar:

ClinVar aggregate classification (germline): Uncertain significance (1 of 4 stars; one submission).

Conditions:
Inborn genetic diseases. Identifiers: MedGen C0950123, MeSH D030342.

Submission:

Ambry Genetics
Classification: Uncertain significance for Inborn genetic diseases. Last evaluated: 2024-03-15. Review status: criteria provided, single submitter. Criteria: Ambry Variant Classification Scheme 2023. Collection method: clinical testing. Allele origin: germline.
Comment: The p.K1165N variant (also known as c.3495A>C), located in coding exon 18 of the ATR gene, results from an A to C substitution at nucleotide position 3495. The lysine at codon 1165 is replaced by asparagine, an amino acid with similar properties. This amino acid position is conserved. In addition, this alteration is predicted to be tolerated by in silico analysis. Based on the available evidence, the clinical significance of this alteration remains unclear.

NM_001184.4(ATR):c.3495A>C (p.Lys1165Asn)

Gene: ATR (ATR serine/threonine kinase; minus strand). Cytogenetic location: 3q23.
Variant type: single nucleotide variant.
Coding change: c.3495A>C on transcript NM_001184.4 (MANE Select); coding-DNA position 3495, A replaced by C.
Protein change: p.Lys1165Asn; replaces lysine 1165 with asparagine.
Molecular consequence: missense variant.
Genome position (GRCh38, 1-based): chr3:142,540,990, T>G on the plus strand (A>C on the coding strand, the complement: ATR is on the minus strand). VCF-style: chr3-142540990-T-G. GRCh37 (hg19) VCF-style: chr3-142259832-T-G.
Other names: c.3303A>C, p.Lys1101Asn (NM_001354579.2); short protein forms K1165N, K1101N.
Identifiers: ClinVar variation 3330819 (VCV003330819.1).